The following is an entry in ClinVar:

NM_015512.5(DNAH1):c.7789A>T (p.Arg2597Trp)

Gene: DNAH1 (dynein axonemal heavy chain 1; plus strand). Cytogenetic location: 3p21.1.
Variant type: single nucleotide variant.
Coding change: c.7789A>T on transcript NM_015512.5 (MANE Select); coding-DNA position 7789, A replaced by T.
Protein change: p.Arg2597Trp; replaces arginine 2597 with tryptophan.
Molecular consequence: missense variant.
Genome position (GRCh38, 1-based): chr3:52,381,820, A>T. VCF-style: chr3-52381820-A-T. GRCh37 (hg19) VCF-style: chr3-52415836-A-T.
Other names: short protein forms R2597W.
Identifiers: ClinVar variation 964794 (VCV000964794.7), dbSNP rs1382384885, ClinGen allele CA353180599.
Genomic context (GRCh38, chr3:52,381,820, plus strand): 5'-CAGGCGCTGGGCAATGCACTCCTGCTGGGCGTGGGTGGCAGCGGCCGCAGCTCCCTCACA[A>T]GGCTCGCCTCGCACATGTGAGCGCCTCCAGGGCGTGCTGGGCAGTGGGCGGCCAGGGCTG-3'
Protein context (NP_056327.4, residues 2587-2607): VGGSGRSSLT[Arg2597Trp]LASHMAEYEC

ClinVar aggregate classification (germline): Uncertain significance (1 of 4 stars; one submission).

Conditions:
Spermatogenic failure 18. Identifiers: MedGen C4539783, MONDO:0054615, OMIM 617576.
Ciliary dyskinesia, primary, 37 (CILD37). Also called: CILIARY DYSKINESIA, PRIMARY, 37, WITH OR WITHOUT SITUS INVERSUS. Identifiers: MedGen C4539798, MONDO:0033204, OMIM 617577.

Allele frequency attached by ClinVar (database versions not stated): gnomAD exomes below 0.00001; TOPMed below 0.00001; gnomAD 0.00001.
gnomAD v4.1: 8 of 1,597,442 alleles (0.0005%); highest among the groups gnomAD compares: Non-Finnish European, 0.0006%; no homozygotes.

Submission:

Labcorp Genetics (formerly Invitae), Labcorp
Classification: Uncertain significance for Ciliary dyskinesia, primary, 37; Spermatogenic failure 18. Last evaluated: 2019-11-07. Review status: criteria provided, single submitter. Criteria: Invitae Variant Classification Sherloc (09022015). Collection method: clinical testing. Allele origin: germline.
Comment: Algorithms developed to predict the effect of missense changes on protein structure and function are either unavailable or do not agree on the potential impact of this missense change (SIFT: "Deleterious"; PolyPhen-2: "Probably Damaging"; Align-GVGD: "Class C0"). This variant has not been reported in the literature in individuals with DNAH1-related conditions. This variant is not present in population databases (ExAC no frequency). This sequence change replaces arginine with tryptophan at codon 2597 of the DNAH1 protein (p.Arg2597Trp). The arginine residue is highly conserved and there is a moderate physicochemical difference between arginine and tryptophan. In summary, the available evidence is currently insufficient to determine the role of this variant in disease. Therefore, it has been classified as a Variant of Uncertain Significance.